The following is an entry in ClinVar:

ClinVar aggregate classification (germline): Uncertain significance (1 of 4 stars; one submission).

Conditions:
Cardiovascular phenotype. Identifiers: MedGen CN230736.

Submission:

Ambry Genetics
Classification: Uncertain significance for Cardiovascular phenotype. Last evaluated: 2023-11-22. Review status: criteria provided, single submitter. Criteria: Ambry Variant Classification Scheme 2023. Collection method: clinical testing. Allele origin: germline.
Comment: The p.L617V variant (also known as c.1849T>G), located in coding exon 5 of the ALPK3 gene, results from a T to G substitution at nucleotide position 1849. The leucine at codon 617 is replaced by valine, an amino acid with highly similar properties. This amino acid position is conserved. In addition, this alteration is predicted to be tolerated by in silico analysis. Since supporting evidence is limited at this time, the clinical significance of this alteration remains unclear.

NM_020778.5(ALPK3):c.1243T>G (p.Leu415Val)

Gene: ALPK3 (alpha kinase 3; plus strand). Cytogenetic location: 15q25.3.
Variant type: single nucleotide variant.
Coding change: c.1243T>G on transcript NM_020778.5 (MANE Select); coding-DNA position 1243, T replaced by G.
Protein change: p.Leu415Val; replaces leucine 415 with valine.
Molecular consequence: missense variant.
Genome position (GRCh38, 1-based): chr15:84,840,522, T>G. VCF-style: chr15-84840522-T-G. GRCh37 (hg19) VCF-style: chr15-85383753-T-G.
Other names: short protein forms L415V.
Identifiers: ClinVar variation 3227448 (VCV003227448.1), dbSNP rs2505706318, ClinGen allele CA393374989.